The following is an entry in ClinVar:

NM_000431.4(MVK):c.595A>T (p.Asn199Tyr)

Gene: MVK (mevalonate kinase; plus strand). Cytogenetic location: 12q24.11.
Variant type: single nucleotide variant.
Coding change: c.595A>T on transcript NM_000431.4 (MANE Select); coding-DNA position 595, A replaced by T.
Protein change: p.Asn199Tyr; replaces asparagine 199 with tyrosine.
Molecular consequence: missense variant.
Genome position (GRCh38, 1-based): chr12:109,586,089, A>T. VCF-style: chr12-109586089-A-T. GRCh37 (hg19) VCF-style: chr12-110023894-A-T.
Other names: c.595A>T, p.Asn199Tyr (NM_001114185.3); c.439A>T, p.Asn147Tyr (NM_001301182.2); short protein forms N199Y, N147Y.
Identifiers: ClinVar variation 579561 (VCV000579561.8), dbSNP rs1566147301, ClinGen allele CA386647727.

ClinVar aggregate classification (germline): Uncertain significance (1 of 4 stars; one submission).

Conditions:
Hyperimmunoglobulin D with periodic fever (HIDS). Also called: HYPERIMMUNOGLOBULINEMIA D AND PERIODIC FEVER SYNDROME; Hyperimmunoglobulinemia D; Hyperimmunoglobulinemia D with periodic fever. Identifiers: Orphanet 343, MedGen C0398691, MONDO:0009849, OMIM 260920.
Porokeratosis 3, disseminated superficial actinic type (POROK3). Also called: POROKERATOSIS, DISSEMINATED SUPERFICIAL ACTINIC, 1; POROKERATOSIS 3, MULTIPLE TYPES; POROKERATOSIS 3, MIBELLI TYPE. Identifiers: MedGen C1867981, MONDO:0008293, OMIM 175900.
Mevalonic aciduria (MEVA). Identifiers: Orphanet 29, MedGen C1959626, MONDO:0012481, OMIM 610377.

Submission:

Labcorp Genetics (formerly Invitae), Labcorp
Classification: Uncertain significance for Mevalonic aciduria; Hyperimmunoglobulin D with periodic fever; Porokeratosis 3, disseminated superficial actinic type. Last evaluated: 2018-05-09. Review status: criteria provided, single submitter. Criteria: Invitae Variant Classification Sherloc (09022015). Collection method: clinical testing. Allele origin: germline.
Comment: This variant is not present in population databases (ExAC no frequency). This sequence change replaces asparagine with tyrosine at codon 199 of the MVK protein (p.Asn199Tyr). The asparagine residue is moderately conserved and there is a large physicochemical difference between asparagine and tyrosine. This variant has not been reported in the literature in individuals with MVK-related disease. In summary, the available evidence is currently insufficient to determine the role of this variant in disease. Therefore, it has been classified as a Variant of Uncertain Significance. Algorithms developed to predict the effect of sequence changes on RNA splicing suggest that this variant may create or strengthen a splice site, but this prediction has not been confirmed by published transcriptional studies. Algorithms developed to predict the effect of missense changes on protein structure and function do not agree on the potential impact of this missense change (SIFT: "Tolerated"; PolyPhen-2: "Probably Damaging"; Align-GVGD: "Class C0").